The following is an entry in ClinVar:

NM_001040108.2(MLH3):c.806A>G (p.Asp269Gly)

Gene: MLH3 (mutL homolog 3; minus strand). Cytogenetic location: 14q24.3.
Variant type: single nucleotide variant.
Coding change: c.806A>G on transcript NM_001040108.2 (MANE Select); coding-DNA position 806, A replaced by G.
Protein change: p.Asp269Gly; replaces aspartic acid 269 with glycine.
Molecular consequence: missense variant.
Genome position (GRCh38, 1-based): chr14:75,048,850, T>C on the plus strand (A>G on the coding strand, the complement: MLH3 is on the minus strand). VCF-style: chr14-75048850-T-C. GRCh37 (hg19) VCF-style: chr14-75515553-T-C.
Other names: c.806A>G, p.Asp269Gly (NM_014381.3); short protein forms D269G.
Identifiers: ClinVar variation 544269 (VCV000544269.10), dbSNP rs761744465, ClinGen allele CA7275968.
Genomic context (GRCh38, chr14:75,048,850, plus strand): 5'-TGCCTACTGGTGGGACCATTCTTTGGCTTGCATATAATACTTTCTTTCCTTAATAAAAAG[T>C]CAATGAGTTTATGTAGCTTTGTCCTTAAAACTAGTCTTTTGTTCACAAACAAAAACTGCA-3'
Protein context (NP_001035197.1, residues 259-279): VLRTKLHKLI[Asp269Gly]FLLRKESIIC

ClinVar aggregate classification (germline): Uncertain significance. Review status: criteria provided, multiple submitters, no conflicts (2 of 4 stars). 3 submissions from 3 submitters: Uncertain significance (3). Last evaluated 2024-06-07.

Conditions:
Colorectal cancer, hereditary nonpolyposis, type 7. Identifiers: Orphanet 144, MedGen C1858380, MONDO:0013725, OMIM 614385.

Allele frequency attached by ClinVar (database versions not stated): TOPMed below 0.00001; gnomAD exomes 0.00001; ExAC 0.00002; gnomAD 0.00003.
gnomAD v4.1: 9 of 1,614,144 alleles (0.00056%); highest among the groups gnomAD compares: Non-Finnish European, 0.00059%; no homozygotes.

Submissions (3):

Ambry Genetics
Classification: Uncertain significance. Last evaluated: 2024-06-07. Review status: criteria provided, single submitter. Criteria: Ambry Variant Classification Scheme 2023. Collection method: clinical testing. Allele origin: germline.
Comment: The p.D269G variant (also known as c.806A>G), located in coding exon 1 of the MLH3 gene, results from an A to G substitution at nucleotide position 806. The aspartic acid at codon 269 is replaced by glycine, an amino acid with similar properties. This amino acid position is conserved. In addition, the in silico prediction for this alteration is inconclusive. Based on the available evidence, the clinical significance of this variant remains unclear.

Blueprint Genetics
Classification: Uncertain significance. Last evaluated: 2022-01-20. Review status: criteria provided, single submitter. Criteria: ACMG Guidelines, 2015. Collection method: clinical testing. Allele origin: germline.

Labcorp Genetics (formerly Invitae), Labcorp
Classification: Uncertain significance for Colorectal cancer, hereditary nonpolyposis, type 7. Last evaluated: 2017-11-07. Review status: criteria provided, single submitter. Criteria: Invitae Variant Classification Sherloc (09022015). Collection method: clinical testing. Allele origin: germline.
Comment: In summary, the available evidence is currently insufficient to determine the role of this variant in disease. Therefore, it has been classified as a Variant of Uncertain Significance. Algorithms developed to predict the effect of missense changes on protein structure and function do not agree on the potential impact of this missense change (SIFT: "Tolerated"; PolyPhen-2: "Probably Damaging"; Align-GVGD: "Class C0"). This variant has not been reported in the literature in individuals with MLH3-related disease. This variant is present in population databases (rs761744465, ExAC 0.003%). This sequence change replaces aspartic acid with glycine at codon 269 of the MLH3 protein (p.Asp269Gly). The aspartic acid residue is moderately conserved and there is a moderate physicochemical difference between aspartic acid and glycine.